The following is an entry in ClinVar:

ClinVar aggregate classification (germline): Likely benign. Review status: criteria provided, multiple submitters, no conflicts (2 of 4 stars). 8 submissions from 4 submitters: Likely benign (8). Last evaluated 2025-05-01.

Conditions:
Hereditary cryohydrocytosis with reduced stomatin. Also called: Stomatin-deficient cryohydrocytosis with neurologic defects; GLUT1 DEFICIENCY SYNDROME WITH PSEUDOHYPERKALEMIA AND HEMOLYSIS. Identifiers: Orphanet 168577, MedGen C1837206, MONDO:0012143, OMIM 608885.
Childhood onset GLUT1 deficiency syndrome 2. Also called: Paroxysmal exercise-induced dystonia; PAROXYSMAL EXERCISE-INDUCED DYSKINESIA WITH OR WITHOUT EPILEPSY AND/OR HEMOLYTIC ANEMIA; PAROXYSMAL EXERTION-INDUCED DYSTONIA WITH OR WITHOUT EPILEPSY AND/OR HEMOLYTIC ANEMIA; PED WITH OR WITHOUT EPILEPSY AND/OR HEMOLYTIC ANEMIA; GLUT1 deficiency syndrome 2; PxMD-SLC2A1. Identifiers: Orphanet 98811, MedGen C1842534, MONDO:0012805, OMIM 612126.
Encephalopathy due to GLUT1 deficiency. Also called: GLUCOSE TRANSPORT DEFECT, BLOOD-BRAIN BARRIER; GLUT1 deficiency syndrome 1, infantile onset, severe; De Vivo disease; GLUT1 deficiency syndrome 1; Glucose transporter protein syndrome; Classic Glucose Transporter Type 1 Deficiency Syndrome. Identifiers: Orphanet 71277, MedGen C4551966, MONDO:0011724, OMIM 606777.
GLUT1 deficiency syndrome 1, autosomal recessive. Identifiers: MedGen C3149117.
Dystonia 9 (DYT9). Also called: CHOREOATHETOSIS, KINESIGENIC, WITH EPISODIC ATAXIA AND SPASTICITY. Identifiers: Orphanet 53583, MedGen C1832855, MONDO:0010983, OMIM 601042.
Epilepsy, idiopathic generalized, susceptibility to, 12 (EIG12). Identifiers: MedGen C3553859, MONDO:0013919, OMIM 614847.

Allele frequency attached by ClinVar (database versions not stated): gnomAD exomes 0.00007; TOPMed 0.00007; gnomAD 0.00009.

Submissions (8):

Labcorp Genetics (formerly Invitae), Labcorp
Classification: Likely benign for GLUT1 deficiency syndrome 1, autosomal recessive. Last evaluated: 2025-05-01. Review status: criteria provided, single submitter. Criteria: Invitae Variant Classification Sherloc (09022015). Collection method: clinical testing. Allele origin: germline.

Blueprint Genetics
Classification: Likely benign. Last evaluated: 2024-10-04. Review status: criteria provided, single submitter. Criteria: ACMG Guidelines, 2015. Collection method: clinical testing. Allele origin: germline.

Genome-Nilou Lab
Classification: Likely benign for Epilepsy, idiopathic generalized, susceptibility to, 12. Last evaluated: 2023-04-11. Review status: criteria provided, single submitter. Criteria: ACMG Guidelines, 2015. Collection method: clinical testing. Allele origin: germline. Affected: no.

Genome-Nilou Lab
Classification: Likely benign for Dystonia 9. Last evaluated: 2023-04-11. Review status: criteria provided, single submitter. Criteria: ACMG Guidelines, 2015. Collection method: clinical testing. Allele origin: germline. Affected: no.

Genome-Nilou Lab
Classification: Likely benign for Encephalopathy due to GLUT1 deficiency. Last evaluated: 2023-04-11. Review status: criteria provided, single submitter. Criteria: ACMG Guidelines, 2015. Collection method: clinical testing. Allele origin: germline. Affected: no.

Genome-Nilou Lab
Classification: Likely benign for Childhood onset GLUT1 deficiency syndrome 2. Last evaluated: 2023-04-11. Review status: criteria provided, single submitter. Criteria: ACMG Guidelines, 2015. Collection method: clinical testing. Allele origin: germline. Affected: no.

Genome-Nilou Lab
Classification: Likely benign for Hereditary cryohydrocytosis with reduced stomatin. Last evaluated: 2023-04-11. Review status: criteria provided, single submitter. Criteria: ACMG Guidelines, 2015. Collection method: clinical testing. Allele origin: germline. Affected: no.

GeneDx
Classification: Likely benign. Last evaluated: 2015-11-10. Review status: criteria provided, single submitter. Criteria: GeneDx Variant Classification (06012015). Collection method: clinical testing. Allele origin: germline. Affected: yes.
Comment: This variant is considered likely benign or benign based on one or more of the following criteria: it is a conservative change, it occurs at a poorly conserved position in the protein, it is predicted to be benign by multiple in silico algorithms, and/or has population frequency not consistent with disease.

NM_006516.4(SLC2A1):c.18+14C>T

Genes: SLC2A1 (solute carrier family 2 member 1; minus strand), LOC129930369 (ATAC-STARR-seq lymphoblastoid silent region 772; plus strand). Cytogenetic location: 1p34.2.
Variant type: single nucleotide variant.
Coding change: c.18+14C>T on transcript NM_006516.4 (MANE Select); 14 bases into the intron after coding-DNA position 18, C replaced by T.
Molecular consequence: intron variant.
Genome position (GRCh38, 1-based): chr1:42,958,620, G>A on the plus strand (C>T on the coding strand, the complement: SLC2A1 is on the minus strand). VCF-style: chr1-42958620-G-A. GRCh37 (hg19) VCF-style: chr1-43424291-G-A.
Identifiers: ClinVar variation 381510 (VCV000381510.11), dbSNP rs970369883, ClinGen allele CA16603724.